The following is an entry in ClinVar:

ClinVar aggregate classification (germline): Uncertain significance (1 of 4 stars; one submission).

gnomAD v4.1: 1 of 1,609,500 alleles (0.000062%); highest among the groups gnomAD compares: Non-Finnish European, 0.000085%; no homozygotes.

Submission:

GeneDx
Classification: Uncertain significance. Last evaluated: 2024-03-10. Review status: criteria provided, single submitter. Criteria: GeneDx Variant Classification Process June 2021. Collection method: clinical testing. Allele origin: germline. Affected: yes.
Comment: Not observed at significant frequency in large population cohorts (gnomAD); In silico analysis supports that this missense variant does not alter protein structure/function; Has not been previously published as pathogenic or benign to our knowledge

NM_002430.3(MN1):c.3185G>A (p.Ser1062Asn)

Gene: MN1 (MN1 proto-oncogene, transcriptional regulator; minus strand). Cytogenetic location: 22q12.1.
Variant type: single nucleotide variant.
Coding change: c.3185G>A on transcript NM_002430.3 (MANE Select); coding-DNA position 3185, G replaced by A.
Protein change: p.Ser1062Asn; replaces serine 1062 with asparagine.
Molecular consequence: missense variant.
Genome position (GRCh38, 1-based): chr22:27,797,359, C>T on the plus strand (G>A on the coding strand, the complement: MN1 is on the minus strand). VCF-style: chr22-27797359-C-T. GRCh37 (hg19) VCF-style: chr22-28193347-C-T.
Other names: short protein forms S1062N.
Identifiers: ClinVar variation 3370562 (VCV003370562.1).